The following is an entry in ClinVar:

ClinVar aggregate classification (germline): Uncertain significance (1 of 4 stars; one submission).

Submission:

Labcorp Genetics (formerly Invitae), Labcorp
Classification: Uncertain significance. Last evaluated: 2017-11-23. Review status: criteria provided, single submitter. Criteria: Invitae Variant Classification Sherloc (09022015). Collection method: clinical testing. Allele origin: germline.
Comment: This sequence change falls in intron 1 of the GALNT12 gene. It does not directly change the encoded amino acid sequence of the GALNT12 protein, but it affects a nucleotide within the consensus splice site of the intron. While this variant is not present in population databases, the frequency information is unreliable, as metrics indicate poor data quality at this position in the ExAC database. This variant has not been reported in the literature in individuals with GALNT12-related disease. Nucleotide substitutions within the consensus splice site are a relatively common cause of aberrant splicing (PMID: 17576681, 9536098). Algorithms developed to predict the effect of sequence changes on RNA splicing suggest that this variant is not likely to affect RNA splicing, but this prediction has not been confirmed by published transcriptional studies. In summary, the available evidence is currently insufficient to determine the role of this variant in disease. Therefore, it has been classified as a Variant of Uncertain Significance.

Literature cited by the submitters: PubMed 17576681; PubMed 9536098.

NM_024642.5(GALNT12):c.371+3G>A

Gene: GALNT12 (polypeptide N-acetylgalactosaminyltransferase 12; plus strand). Cytogenetic location: 9q22.33.
Variant type: single nucleotide variant.
Coding change: c.371+3G>A on transcript NM_024642.5 (MANE Select); 3 bases into the intron after coding-DNA position 371, G replaced by A.
Molecular consequence: intron variant.
Genome position (GRCh38, 1-based): chr9:98,808,072, G>A. VCF-style: chr9-98808072-G-A. GRCh37 (hg19) VCF-style: chr9-101570354-G-A.
Identifiers: ClinVar variation 1023522 (VCV001023522.6), dbSNP rs1342911815, ClinGen allele CA589582996.